The following is an entry in ClinVar:

ClinVar aggregate classification (germline): Uncertain significance (1 of 4 stars; one submission).

Conditions:
Multiple endocrine neoplasia type 4. Also called: MULTIPLE ENDOCRINE NEOPLASIA, TYPE IV. Identifiers: Orphanet 276152, MedGen C1970712, MONDO:0012552, OMIM 610755.

Submission:

Labcorp Genetics (formerly Invitae), Labcorp
Classification: Uncertain significance for Multiple endocrine neoplasia type 4. Last evaluated: 2025-12-15. Review status: criteria provided, single submitter. Criteria: Invitae Variant Classification Sherloc (09022015). Collection method: clinical testing. Allele origin: germline.
Comment: This variant, c.428_430del, is a complex sequence change that results in the deletion of 2 and insertion of 1 amino acid(s) in the CDKN1B protein (p.Gly143_Leu144delinsVal). This variant is not present in population databases (gnomAD no frequency). This variant has not been reported in the literature in individuals affected with CDKN1B-related conditions. Experimental studies and prediction algorithms are not available or were not evaluated, and the functional significance of this variant is currently unknown. In summary, the available evidence is currently insufficient to determine the role of this variant in disease. Therefore, it has been classified as a Variant of Uncertain Significance.

NM_004064.5(CDKN1B):c.428_430del (p.Gly143_Leu144delinsVal)

Gene: CDKN1B (cyclin dependent kinase inhibitor 1B; plus strand). Cytogenetic location: 12p13.1.
Variant type: Deletion.
Coding change: c.428_430del on transcript NM_004064.5 (MANE Select); coding-DNA positions 428 to 430, 3 bases deleted (GGT; older notation c.428_430delGGT).
Protein change: p.Gly143_Leu144delinsVal.
Molecular consequence: inframe indel.
Genome position (GRCh38, 1-based): chr12:12,718,267-12,718,269, GGT deleted. VCF-style (leftmost placement, unchanged base first): chr12-12718266-GGGT-G. GRCh37 (hg19) VCF-style: chr12-12871200-GGGT-G.
Identifiers: ClinVar variation 4733302 (VCV004733302.1).